The following is an entry in ClinVar:

ClinVar aggregate classification (germline): Uncertain significance (1 of 4 stars; one submission).

Conditions:
Mucopolysaccharidosis type 6 (MPS6). Also called: MPS VI; ARSB DEFICIENCY; ARYLSULFATASE B DEFICIENCY; MPS 6; Maroteaux Lamy syndrome; N-ACETYLGALACTOSAMINE-4-SULFATASE DEFICIENCY. Identifiers: Orphanet 583, MedGen C0026709, MONDO:0009661, OMIM 253200.

Allele frequency attached by ClinVar (database versions not stated): gnomAD exomes below 0.00001; gnomAD 0.00004; TOPMed 0.00005.
gnomAD v4.1: 14 of 1,613,978 alleles (0.00087%); highest among the groups gnomAD compares: Middle Eastern, 0.016%; no homozygotes.

Submission:

Labcorp Genetics (formerly Invitae), Labcorp
Classification: Uncertain significance for Mucopolysaccharidosis type 6. Last evaluated: 2022-04-11. Review status: criteria provided, single submitter. Criteria: Invitae Variant Classification Sherloc (09022015). Collection method: clinical testing. Allele origin: germline.
Comment: This sequence change falls in intron 2 of the ARSB gene. It does not directly change the encoded amino acid sequence of the ARSB protein. It affects a nucleotide within the consensus splice site. This variant is present in population databases (no rsID available, gnomAD 0.02%). This variant has not been reported in the literature in individuals affected with ARSB-related conditions. Variants that disrupt the consensus splice site are a relatively common cause of aberrant splicing (PMID: 17576681, 9536098). Algorithms developed to predict the effect of sequence changes on RNA splicing suggest that this variant is not likely to affect RNA splicing. In summary, the available evidence is currently insufficient to determine the role of this variant in disease. Therefore, it has been classified as a Variant of Uncertain Significance.

Literature cited by the submitters: PubMed 17576681; PubMed 9536098.

NM_000046.5(ARSB):c.499+6G>A

Gene: ARSB (arylsulfatase B; minus strand). Cytogenetic location: 5q14.1.
Variant type: single nucleotide variant.
Coding change: c.499+6G>A on transcript NM_000046.5 (MANE Select); 6 bases into the intron after coding-DNA position 499, G replaced by A.
Molecular consequence: intron variant.
Genome position (GRCh38, 1-based): chr5:78,969,000, C>T on the plus strand (G>A on the coding strand, the complement: ARSB is on the minus strand). VCF-style: chr5-78969000-C-T. GRCh37 (hg19) VCF-style: chr5-78264823-C-T.
Other names: c.499+6G>A (NM_198709.3).
Identifiers: ClinVar variation 2154642 (VCV002154642.1), dbSNP rs1007964247, ClinGen allele CA121107687.